The following is an entry in ClinVar:

ClinVar aggregate classification (germline): Uncertain significance. Review status: criteria provided, multiple submitters, no conflicts (2 of 4 stars). 2 submissions from 2 submitters: Uncertain significance (2). Last evaluated 2024-07-31.

Allele frequency attached by ClinVar (database versions not stated): ExAC 0.00001; gnomAD exomes 0.00001 and 0.00002; gnomAD 0.00006; TOPMed 0.00008.
gnomAD v4.1: 17 of 1,613,326 alleles (0.0011%); highest among the groups gnomAD compares: Admixed American, 0.018%; no homozygotes.

Submissions (2):

Labcorp Genetics (formerly Invitae), Labcorp
Classification: Uncertain significance. Last evaluated: 2024-07-31. Review status: criteria provided, single submitter. Criteria: Invitae Variant Classification Sherloc (09022015). Collection method: clinical testing. Allele origin: germline.
Comment: This sequence change replaces methionine, which is neutral and non-polar, with threonine, which is neutral and polar, at codon 361 of the CASQ1 protein (p.Met361Thr). This variant is present in population databases (rs767673016, gnomAD 0.006%). This variant has not been reported in the literature in individuals affected with CASQ1-related conditions. ClinVar contains an entry for this variant (Variation ID: 1698217). Advanced modeling of protein sequence and biophysical properties (such as structural, functional, and spatial information, amino acid conservation, physicochemical variation, residue mobility, and thermodynamic stability) performed at Invitae indicates that this missense variant is not expected to disrupt CASQ1 protein function with a negative predictive value of 80%. In summary, the available evidence is currently insufficient to determine the role of this variant in disease. Therefore, it has been classified as a Variant of Uncertain Significance.

GeneDx
Classification: Uncertain significance. Last evaluated: 2022-01-21. Review status: criteria provided, single submitter. Criteria: GeneDx Variant Classification Process June 2021. Collection method: clinical testing. Allele origin: germline. Affected: yes.
Comment: In silico analysis supports that this missense variant has a deleterious effect on protein structure/function; Has not been previously published as pathogenic or benign to our knowledge

NM_001231.5(CASQ1):c.1082T>C (p.Met361Thr)

Gene: CASQ1 (calsequestrin 1; plus strand). Cytogenetic location: 1q23.2.
Variant type: single nucleotide variant.
Coding change: c.1082T>C on transcript NM_001231.5 (MANE Select); coding-DNA position 1082, T replaced by C.
Protein change: p.Met361Thr; replaces methionine 361 with threonine.
Molecular consequence: missense variant.
Genome position (GRCh38, 1-based): chr1:160,201,267, T>C. VCF-style: chr1-160201267-T-C. GRCh37 (hg19) VCF-style: chr1-160171057-T-C.
Other names: short protein forms M361T.
Identifiers: ClinVar variation 1698217 (VCV001698217.6), dbSNP rs767673016, ClinGen allele CA1196466.
Genomic context (GRCh38, chr1:160,201,267, plus strand): 5'-TGGACTTAGCTTCCGTCCCTGCCTGTGCCATCTCCTAGGCGGATAGCGTATGGATGGAAA[T>C]GGACGATGAGGAGGACCTGCCTTCTGCTGAGGAGCTGGAGGACTGGCTGGAGGATGTCCT-3'
Protein context (NP_001222.3, residues 351-371): VTDADSVWME[Met361Thr]DDEEDLPSAE